The following is an entry in ClinVar:

NM_000277.3(PAH):c.1132A>T (p.Thr378Ser)

Gene: PAH (phenylalanine hydroxylase; minus strand). Cytogenetic location: 12q23.2.
Variant type: single nucleotide variant.
Coding change: c.1132A>T on transcript NM_000277.3 (MANE Select); coding-DNA position 1132, A replaced by T.
Protein change: p.Thr378Ser; replaces threonine 378 with serine.
Molecular consequence: missense variant.
Genome position (GRCh38, 1-based): chr12:102,843,713, T>A on the plus strand (A>T on the coding strand, the complement: PAH is on the minus strand). VCF-style: chr12-102843713-T-A. GRCh37 (hg19) VCF-style: chr12-103237491-T-A.
Other names: c.1132A>T, p.Thr378Ser (NM_001354304.2); short protein forms T378S.
Identifiers: ClinVar variation 102535 (VCV000102535.2), dbSNP rs62642911, ClinGen allele CA229358.

ClinVar aggregate classification (germline): Uncertain significance. Review status: reviewed by expert panel (3 of 4 stars). 2 submissions from 2 submitters: Uncertain significance (1). 1 of the submissions does not count toward it. Last evaluated 2020-05-14.

Conditions:
Phenylketonuria (PKU). Also called: Phenylketonuria (PKU); FOLLING DISEASE; OLIGOPHRENIA PHENYLPYRUVICA; Phenylketonurias. Identifiers: Orphanet 716, MedGen C0031485, MONDO:0009861, OMIM 261600. Disease mechanism: loss of function.

Submissions (2):

ClinGen PAH Variant Curation Expert Panel
Classification: Uncertain significance for Phenylketonuria. Last evaluated: 2020-05-14. Review status: reviewed by expert panel. Criteria: ClinGen PAH ACMG Specifications v1. Collection method: curation. Allele origin: germline. Inheritance: Autosomal recessive inheritance.
Comment: The NM_000277.3:c.1132A>T (p.Thr378Ser) missense variant has been reported in one mild PKU patient (PMID: 10767174), with compound heterozygous genotype of Thr378Ser with Arg243Gln (ClinVar591; Pathogenic). This variant is absent from 1000G, ESP, and gnomAD databases. It is predicted not to a have damaging effect: SIFT: Tolerated, PolyPhen: Benign, MutationTaster: Polymorphism. In summary, this variant meets criteria to be classified as uncertain significance for PAH. PAH-specific ACMG/AMP criteria applied:PM2, PM3_supporting, PP4_moderate, BP4.

DeBelle Laboratory for Biochemical Genetics, MUHC/MCH RESEARCH INSTITUTE
No classification provided. Review status: no classification provided. Collection method: not provided. Allele origin: not provided. Not counted in ClinVar's aggregate classification.